The following is an entry in ClinVar:

NM_001386140.1(MTTP):c.915G>A (p.Ser305=)

Gene: MTTP (microsomal triglyceride transfer protein; plus strand). Cytogenetic location: 4q23.
Variant type: single nucleotide variant.
Coding change: c.915G>A on transcript NM_001386140.1 (MANE Select); coding-DNA position 915, G replaced by A.
Protein change: p.Ser305=; no amino-acid change (serine 305 retained).
Molecular consequence: synonymous variant.
Genome position (GRCh38, 1-based): chr4:99,597,072, G>A. VCF-style: chr4-99597072-G-A. GRCh37 (hg19) VCF-style: chr4-100518229-G-A.
Other names: c.915G>A, p.Ser305= (NM_000253.4); c.666G>A, p.Ser222= (NM_001300785.2).
Identifiers: ClinVar variation 719676 (VCV000719676.21), dbSNP rs199716549, ClinGen allele CA3021991.

ClinVar aggregate classification (germline): Conflicting classifications of pathogenicity. Review status: criteria provided, conflicting classifications (1 of 4 stars). 6 submissions from 6 submitters: Uncertain significance (1); Likely benign (4). 1 of the submissions does not count toward it. Last evaluated 2026-04-01.

Conditions:
Abetalipoproteinaemia (ABL). Also called: MTP DEFICIENCY; Abetalipoproteinemia; Abetalipoproteinemia neuropathy; Apolipoprotein B deficiency; Congenital betalipoprotein deficiency syndrome. Identifiers: Orphanet 14, MedGen C0000744, MONDO:0008692, OMIM 200100, HP:0008181.

Allele frequency attached by ClinVar (database versions not stated): TOPMed 0.00005; gnomAD 0.00006 and 0.00009; ESP Exome Variant Server 0.00008; gnomAD exomes 0.00012 and 0.00017; ExAC 0.00016; 1000 Genomes Project 0.00020; 1000 Genomes Project 30x 0.00031.
gnomAD v4.1: 197 of 1,613,760 alleles (0.012%); highest among the groups gnomAD compares: Middle Eastern, 0.12%; 1 homozygote.

Submissions (6):

CeGaT Center for Human Genetics Tuebingen
Classification: Likely benign. Last evaluated: 2026-04-01. Review status: criteria provided, single submitter. Criteria: CeGaT Center For Human Genetics Tuebingen Variant Classification Criteria Version 2. Collection method: clinical testing. Allele origin: germline. Affected: yes. Observed: 1 variant allele.
Comment: MTTP: BP4, BP7

Labcorp Genetics (formerly Invitae), Labcorp
Classification: Likely benign. Last evaluated: 2026-01-29. Review status: criteria provided, single submitter. Criteria: Invitae Variant Classification Sherloc (09022015). Collection method: clinical testing. Allele origin: germline.

Blueprint Genetics
Classification: Likely benign. Last evaluated: 2024-07-23. Review status: criteria provided, single submitter. Criteria: ACMG Guidelines, 2015. Collection method: clinical testing. Allele origin: germline.

Genome-Nilou Lab
Classification: Likely benign for Abetalipoproteinaemia. Last evaluated: 2021-07-14. Review status: criteria provided, single submitter. Criteria: ACMG Guidelines, 2015. Collection method: clinical testing. Allele origin: germline. Affected: no.

Illumina Laboratory Services, Illumina
Classification: Uncertain significance for Abetalipoproteinaemia. Last evaluated: 2017-04-27. Review status: criteria provided, single submitter. Criteria: ICSL Variant Classification Criteria 13 December 2019. Collection method: clinical testing. Allele origin: germline.

Natera, Inc.
Classification: Likely benign for Abetalipoproteinemia. Last evaluated: 2020-04-21. Review status: no assertion criteria provided. Collection method: clinical testing. Allele origin: germline. Not counted in ClinVar's aggregate classification.